The following is an entry in ClinVar:

ClinVar aggregate classification (germline): Conflicting classifications of pathogenicity. Review status: criteria provided, conflicting classifications (1 of 4 stars). 3 submissions from 3 submitters: Uncertain significance (2); Likely benign (1). Last evaluated 2025-08-11.

Conditions:
Smith-Magenis syndrome (SMS). Also called: CHROMOSOME 17p11.2 DELETION SYNDROME. Identifiers: Orphanet 819, MedGen C0795864, MONDO:0008434, OMIM 182290.
Inborn genetic diseases. Identifiers: MedGen C0950123, MeSH D030342.

Allele frequency attached by ClinVar (database versions not stated): gnomAD exomes below 0.00001 and 0.00002; TOPMed 0.00001.
gnomAD v4.1: 30 of 1,612,496 alleles (0.0019%); highest among the groups gnomAD compares: East Asian, 0.0067%; no homozygotes.

Submissions (3):

Ambry Genetics
Classification: Likely benign for Inborn genetic diseases. Last evaluated: 2025-08-11. Review status: criteria provided, single submitter. Criteria: Ambry Variant Classification Scheme 2023. Collection method: clinical testing. Allele origin: germline.

Labcorp Genetics (formerly Invitae), Labcorp
Classification: Uncertain significance. Last evaluated: 2025-06-18. Review status: criteria provided, single submitter. Criteria: Invitae Variant Classification Sherloc (09022015). Collection method: clinical testing. Allele origin: germline.
Comment: This sequence change replaces alanine, which is neutral and non-polar, with threonine, which is neutral and polar, at codon 601 of the RAI1 protein (p.Ala601Thr). This variant is present in population databases (no rsID available, gnomAD 0.004%). This variant has not been reported in the literature in individuals affected with RAI1-related conditions. ClinVar contains an entry for this variant (Variation ID: 978151). Invitae Evidence Modeling of protein sequence and biophysical properties (such as structural, functional, and spatial information, amino acid conservation, physicochemical variation, residue mobility, and thermodynamic stability) indicates that this missense variant is not expected to disrupt RAI1 protein function with a negative predictive value of 80%. In summary, the available evidence is currently insufficient to determine the role of this variant in disease. Therefore, it has been classified as a Variant of Uncertain Significance.

New York Genome Center
Classification: Uncertain significance for Smith-Magenis syndrome. Last evaluated: 2022-01-07. Review status: criteria provided, single submitter. Criteria: NYGC Assertion Criteria 2020. Collection method: clinical testing. Allele origin: inherited. Observed: 1 heterozygote. Study: CSER-NYCKidSeq.

NM_030665.4(RAI1):c.1801G>A (p.Ala601Thr)

Gene: RAI1 (retinoic acid induced 1; plus strand). Cytogenetic location: 17p11.2.
Variant type: single nucleotide variant.
Coding change: c.1801G>A on transcript NM_030665.4 (MANE Select); coding-DNA position 1801, G replaced by A.
Protein change: p.Ala601Thr; replaces alanine 601 with threonine.
Molecular consequence: missense variant.
Genome position (GRCh38, 1-based): chr17:17,794,749, G>A. VCF-style: chr17-17794749-G-A. GRCh37 (hg19) VCF-style: chr17-17698063-G-A.
Other names: short protein forms A601T.
Identifiers: ClinVar variation 978151 (VCV000978151.6), dbSNP rs1170875285, ClinGen allele CA398549220.